The following is an entry in ClinVar:

NM_206933.4(USH2A):c.8041A>T (p.Met2681Leu)

Gene: USH2A (usherin; minus strand). Cytogenetic location: 1q41.
Variant type: single nucleotide variant.
Coding change: c.8041A>T on transcript NM_206933.4 (MANE Select); coding-DNA position 8041, A replaced by T.
Protein change: p.Met2681Leu; replaces methionine 2681 with leucine.
Molecular consequence: missense variant.
Genome position (GRCh38, 1-based): chr1:215,888,608, T>A on the plus strand (A>T on the coding strand, the complement: USH2A is on the minus strand). VCF-style: chr1-215888608-T-A. GRCh37 (hg19) VCF-style: chr1-216061950-T-A.
Other names: short protein forms M2681L.
Identifiers: ClinVar variation 866018 (VCV000866018.3), dbSNP rs561700482, ClinGen allele CA1394697.

ClinVar aggregate classification (germline): Uncertain significance. Review status: criteria provided, multiple submitters, no conflicts (2 of 4 stars). 2 submissions from 2 submitters: Uncertain significance (2). Last evaluated 2025-12-03.

Conditions:
USH2A-related disorder. Also called: USH2A-related condition; USH2A-related disorders. Identifiers: MedGen CN239332.

Allele frequency attached by ClinVar (database versions not stated): TOPMed below 0.00001; gnomAD 0.00001; gnomAD exomes 0.00001 and 0.00002; ExAC 0.00003; 1000 Genomes Project 30x 0.00031; 1000 Genomes Project 0.00040.
gnomAD v4.1: 10 of 1,614,186 alleles (0.00062%); highest among the groups gnomAD compares: East Asian, 0.011%; no homozygotes.

Submissions (2):

PreventionGenetics, part of Exact Sciences
Classification: Uncertain significance for USH2A-related condition. Last evaluated: 2025-12-03. Review status: criteria provided, single submitter. Criteria: ACMG Guidelines, 2015. Collection method: clinical testing. Allele origin: germline.
Comment: The USH2A c.8041A>T variant is predicted to result in the amino acid substitution p.Met2681Leu. To our knowledge, this variant has not been reported in the literature. This variant is reported in 0.016% of alleles in individuals of East Asian descent in gnomAD. At this time, the clinical significance of this variant is uncertain due to the absence of conclusive functional and genetic evidence.

Blueprint Genetics
Classification: Uncertain significance. Last evaluated: 2024-02-12. Review status: criteria provided, single submitter. Criteria: ACMG Guidelines, 2015. Collection method: clinical testing. Allele origin: germline.